The following is an entry in ClinVar:

ClinVar aggregate classification (germline): Pathogenic (1 of 4 stars; one submission).

Conditions:
Hereditary cancer-predisposing syndrome. Also called: Neoplastic Syndromes, Hereditary; Tumor predisposition; Hereditary Cancer Syndrome; Hereditary neoplastic syndrome. Identifiers: Orphanet 140162, MedGen C0027672, MeSH D009386, MONDO:0015356.

Submission:

Ambry Genetics
Classification: Pathogenic for Hereditary cancer-predisposing syndrome. Last evaluated: 2024-12-30. Review status: criteria provided, single submitter. Criteria: Ambry Variant Classification Scheme 2023. Collection method: clinical testing. Allele origin: germline.
Comment: The c.1888_1889insGA pathogenic mutation, located in coding exon 9 of the BRCA2 gene, results from an insertion of two nucleotides at position 1888, causing a translational frameshift with a predicted alternate stop codon (p.T630Rfs*15). This variant is considered to be rare based on population cohorts in the Genome Aggregation Database (gnomAD). This alteration is expected to result in loss of function by premature protein truncation or nonsense-mediated mRNA decay. As such, this alteration is interpreted as a disease-causing mutation.

NM_000059.4(BRCA2):c.1888_1889insGA (p.Thr630fs)

Gene: BRCA2 (BRCA2 DNA repair associated; plus strand). Cytogenetic location: 13q13.1.
Variant type: Insertion.
Coding change: c.1888_1889insGA on transcript NM_000059.4 (MANE Select); coding-DNA positions 1888 to 1889, GA inserted.
Protein change: p.Thr630fs; shifts the reading frame from threonine 630.
Molecular consequence: frameshift variant.
Genome position: GRCh38 VCF-style: chr13-32333365-T-TAG. GRCh37 (hg19) VCF-style: chr13-32907502-T-TAG.
Other names: short protein forms T630fs.
Identifiers: ClinVar variation 820270 (VCV000820270.5), dbSNP rs80359314, ClinGen allele CA915946970.